The following is an entry in ClinVar:

ClinVar aggregate classification (germline): Pathogenic/Likely pathogenic. Review status: criteria provided, multiple submitters, no conflicts (2 of 4 stars). 5 submissions from 5 submitters: Pathogenic (4); Likely pathogenic (1). Last evaluated 2024-09-03.

Conditions:
Hereditary cancer-predisposing syndrome. Also called: Tumor predisposition; Hereditary Cancer Syndrome; Neoplastic Syndromes, Hereditary; Hereditary neoplastic syndrome. Identifiers: Orphanet 140162, MedGen C0027672, MeSH D009386, MONDO:0015356.
Lynch syndrome 5 (LYNCH5). Also called: Colorectal cancer, hereditary nonpolyposis, type 5; Hereditary non-polyposis colorectal cancer, type 5. Identifiers: Orphanet 144, MedGen C1833477, MONDO:0013710, OMIM 614350. Disease mechanism: loss of function.

Submissions (5):

Molecular Diagnostics Laboratory, Catalan Institute of Oncology
Classification: Likely pathogenic for Hereditary cancer-predisposing syndrome. Last evaluated: 2024-09-03. Review status: criteria provided, single submitter. Criteria: MMR VCEP Paper Draft V3.1. Collection method: clinical testing. Allele origin: germline.
Comment: PVS1, PM2_Supporting c.3080dup, located in exon 4 of the MSH6 gene, consists in the duplication of 1 nucleotide, causing a translational frameshift with a predicted alternate stop codon, p.(Ser1028Ilefs*12). This alteration is expected to result in loss of function by premature protein truncation and nonsense-mediated mRNA decay (PVS1). It is not present in the population database gnomAD v2.1.1, non-cancer dataset (PM2_supporting). No effect is predicted on splicing by computational tools. In addition, it was identified in the ClinVar database (4x pathogenic) and in LOVD (1x pathogenic) but it has not been identified in InSiGHT database. To our knowledge, functional studies have not been reported for this variant. This variant has been identified in two individual affected with colorectal cancer, one of them showing loss of MSH6 protein expression (PMID: 29967336) and another one with maintained MSH6 protein expression (PMID: 23652311). Based on currently available information, the variant c.3080dup is classified as a likely pathogenic variant according to ACMG guidelines.

Myriad Genetics, Inc.
Classification: Pathogenic for Lynch syndrome 5. Last evaluated: 2023-08-22. Review status: criteria provided, single submitter. Criteria: Myriad Autosomal Dominant, Autosomal Recessive and X-Linked Classification Criteria (2023). Collection method: clinical testing. Allele origin: unknown.
Comment: This variant is considered pathogenic. This variant creates a frameshift predicted to result in premature protein truncation.

Institute for Clinical Genetics, University Hospital TU Dresden, University Hospital TU Dresden
Classification: Pathogenic. Last evaluated: 2021-11-03. Review status: criteria provided, single submitter. Criteria: ACMG Guidelines, 2015. Collection method: clinical testing. Allele origin: germline.

Ambry Genetics
Classification: Pathogenic for Hereditary cancer-predisposing syndrome. Last evaluated: 2019-11-22. Review status: criteria provided, single submitter. Criteria: Ambry Variant Classification Scheme 2023. Collection method: clinical testing. Allele origin: germline.
Comment: The c.3080dupT pathogenic mutation, located in coding exon 4 of the MSH6 gene, results from a duplication of T at nucleotide position 3080, causing a translational frameshift with a predicted alternate stop codon (p.S1028Ifs*12). This alteration has been identified in cohorts of patients suspected of having a hereditary colorectal cancer predisposition syndrome (Pagin A et al. Br. J. Cancer. 2013 May;108:2079-87; Baert-Desurmont S et al. Eur. J. Hum. Genet. 2018 11;26:1597-1602). This alteration is expected to result in loss of function by premature protein truncation or nonsense-mediated mRNA decay. As such, this alteration is interpreted as a disease-causing mutation.

Institute of Human Genetics, University of Leipzig Medical Center
Classification: Pathogenic for Lynch syndrome 5. Last evaluated: 2019-01-01. Review status: criteria provided, single submitter. Criteria: ACMG Guidelines, 2015. Collection method: clinical testing. Allele origin: unknown. Affected: no.

Literature cited by the submitters: PubMed 23652311 (cited by Ambry Genetics); PubMed 29967336 (cited by Ambry Genetics).

NM_000179.3(MSH6):c.3080dup (p.Ser1028fs)

Gene: MSH6 (mutS homolog 6; plus strand). Cytogenetic location: 2p16.3.
Variant type: Duplication.
Coding change: c.3080dup on transcript NM_000179.3 (MANE Select); coding-DNA position 3080, one base duplicated (T; older notation c.3080dupT).
Protein change: p.Ser1028fs; shifts the reading frame from serine 1028.
Molecular consequence: frameshift variant.
Genome position (GRCh38, 1-based): chr2:47,801,063, T duplicated. VCF-style (leftmost placement, unchanged base first): chr2-47801062-G-GT. GRCh37 (hg19) VCF-style: chr2-48028201-G-GT.
Other names: c.2690dup, p.Ser898fs (NM_001281492.2); c.2174dup, p.Ser726fs (NM_001281493.2, NM_001281494.2); c.3080dup (NM_000179.2); short protein forms S1028fs, S726fs, S898fs.
Identifiers: ClinVar variation 822819 (VCV000822819.10), dbSNP rs1572730021, ClinGen allele CA915943941.